The following is an entry in ClinVar:

NM_000260.4(MYO7A):c.6272A>G (p.Lys2091Arg)

Gene: MYO7A (myosin VIIA; plus strand). Cytogenetic location: 11q13.5.
Variant type: single nucleotide variant.
Coding change: c.6272A>G on transcript NM_000260.4 (MANE Select); coding-DNA position 6272, A replaced by G.
Protein change: p.Lys2091Arg; replaces lysine 2091 with arginine.
Molecular consequence: missense variant.
Genome position (GRCh38, 1-based): chr11:77,211,855, A>G. VCF-style: chr11-77211855-A-G. GRCh37 (hg19) VCF-style: chr11-76922900-A-G.
Other names: c.6158A>G, p.Lys2053Arg (NM_001127180.2); c.6125A>G, p.Lys2042Arg (NM_001369365.1); short protein forms K2042R, K2053R, K2091R.
Identifiers: ClinVar variation 666728 (VCV000666728.21), dbSNP rs781713344, ClinGen allele CA6198988.

ClinVar aggregate classification (germline): Conflicting classifications of pathogenicity. Review status: criteria provided, conflicting classifications (1 of 4 stars). 6 submissions from 6 submitters: Uncertain significance (1); Likely benign (3). 2 of the submissions do not count toward it. Last evaluated 2025-12-21.

Conditions:
MYO7A-related disorder. Also called: MYO7A-related disorders.
Usher syndrome type 1B (USH1B). Also called: Usher syndrome type IB. Identifiers: MedGen C1848638, MONDO:0700087.

Allele frequency attached by ClinVar (database versions not stated): gnomAD 0.00005 and 0.00006; TOPMed 0.00009; gnomAD exomes 0.00020 and 0.00042; ExAC 0.00033.
gnomAD v4.1: 128 of 1,613,868 alleles (0.0079%); highest among the groups gnomAD compares: Admixed American, 0.21%; 1 homozygote.

Submissions (6):

Labcorp Genetics (formerly Invitae), Labcorp
Classification: Likely benign. Last evaluated: 2025-12-21. Review status: criteria provided, single submitter. Criteria: Invitae Variant Classification Sherloc (09022015). Collection method: clinical testing. Allele origin: germline.

Blueprint Genetics
Classification: Likely benign. Last evaluated: 2023-10-14. Review status: criteria provided, single submitter. Criteria: ACMG Guidelines, 2015. Collection method: clinical testing. Allele origin: germline.

Women's Health and Genetics/Laboratory Corporation of America, LabCorp
Classification: Uncertain significance. Last evaluated: 2023-01-20. Review status: criteria provided, single submitter. Criteria: LabCorp Variant Classification Summary - May 2015. Collection method: clinical testing. Allele origin: germline.
Comment: Variant summary: MYO7A c.6272A>G (p.Lys2091Arg) results in a conservative amino acid change located in the FERM domain (IPR000299) of the encoded protein sequence. Four of five in-silico tools predict a benign effect of the variant on protein function. The variant allele was found at a frequency of 0.00042 in 249476 control chromosomes (gnomAD). To our knowledge, no occurrence of c.6272A>G in individuals affected with MYO7A-Related Disorders and no experimental evidence demonstrating its impact on protein function have been reported. Three ClinVar submitters (evaluation after 2014) cite this variant as uncertain significance (n=1) and likely benign (n=2). Based on the evidence outlined above, the variant was classified as uncertain significance.

Laboratory for Molecular Medicine, Mass General Brigham Personalized Medicine
Classification: Likely benign. Last evaluated: 2018-11-28. Review status: criteria provided, single submitter. Criteria: LMM Criteria. Collection method: clinical testing. Allele origin: germline. Observed: 1 variant allele.
Comment: The p.Lys2091Arg variant in MYO7A is classified as likely benign because it has been identified in 0.3% (107/35366) of Latino chromosomes by the Genome Aggregat ion Database (gnomAD). Computational predictio n tools and conservation analysis suggest that the MYO7A variant may not impact the protein. ACMG/AMP Criteria applied: BS1, BP4.

PreventionGenetics, part of Exact Sciences
Classification: Likely benign for MYO7A-related condition. Last evaluated: 2024-09-08. Review status: no assertion criteria provided. Collection method: clinical testing. Allele origin: germline. Not counted in ClinVar's aggregate classification.
Comment: This variant is classified as likely benign based on ACMG/AMP sequence variant interpretation guidelines (Richards et al. 2015 PMID: 25741868, with internal and published modifications).

Natera, Inc.
Classification: Uncertain significance for Usher syndrome type 1B. Last evaluated: 2020-04-17. Review status: no assertion criteria provided. Collection method: clinical testing. Allele origin: germline. Not counted in ClinVar's aggregate classification.